The following is an entry in ClinVar:

ClinVar aggregate classification (germline): Likely benign (1 of 4 stars; one submission).

Submission:

CeGaT Center for Human Genetics Tuebingen
Classification: Likely benign. Last evaluated: 2022-12-01. Review status: criteria provided, single submitter. Criteria: CeGaT Center For Human Genetics Tuebingen Variant Classification Criteria Version 2. Collection method: clinical testing. Allele origin: germline. Affected: yes. Observed: 1 variant allele.
Comment: DYRK1A: PM2, PP2, BS2

NM_001347721.2(DYRK1A):c.511G>A (p.Val171Met)

Gene: DYRK1A (dual specificity tyrosine phosphorylation regulated kinase 1A; plus strand). Cytogenetic location: 21q22.13.
Variant type: single nucleotide variant.
Coding change: c.511G>A on transcript NM_001347721.2 (MANE Select); coding-DNA position 511, G replaced by A.
Protein change: p.Val171Met; replaces valine 171 with methionine.
Molecular consequence: missense variant.
Genome position (GRCh38, 1-based): chr21:37,486,488, G>A. VCF-style: chr21-37486488-G-A. GRCh37 (hg19) VCF-style: chr21-38858790-G-A.
Other names: c.511G>A, p.Val171Met (NM_001347722.2, NM_130436.2); c.424G>A, p.Val142Met (NM_001347723.2); c.538G>A, p.Val180Met (NM_001396.5, NM_101395.2, NM_130438.2); short protein forms V142M, V171M, V180M.
Identifiers: ClinVar variation 2652656 (VCV002652656.24), dbSNP rs2518010076, ClinGen allele CA409945591.